The following is an entry in ClinVar:

NM_000243.3(MEFV):c.1727-16C>G

Genes: MEFV (MEFV innate immunity regulator, pyrin; minus strand), LOC126862264 (CDK7 strongly-dependent group 2 enhancer GRCh37_chr16:3293322-3294521; plus strand). Cytogenetic location: 16p13.3.
Variant type: single nucleotide variant.
Coding change: c.1727-16C>G on transcript NM_000243.3 (MANE Select); 16 bases into the intron before coding-DNA position 1727, C replaced by G.
Molecular consequence: intron variant.
Genome position (GRCh38, 1-based): chr16:3,244,302, G>C on the plus strand (C>G on the coding strand, the complement: MEFV is on the minus strand). VCF-style: chr16-3244302-G-C. GRCh37 (hg19) VCF-style: chr16-3294302-G-C.
Other names: c.1094-16C>G (NM_001198536.2).
Identifiers: ClinVar variation 682518 (VCV000682518.6), dbSNP rs369343700, ClinGen allele CA7860014.

ClinVar aggregate classification (germline): Likely benign. Review status: criteria provided, multiple submitters, no conflicts (2 of 4 stars). 2 submissions from 2 submitters: Likely benign (2). Last evaluated 2023-10-24.

Conditions:
Familial Mediterranean fever (FMF). Also called: POLYSEROSITIS, FAMILIAL PAROXYSMAL; POLYSEROSITIS, RECURRENT; Periodic peritonitis; Benign paroxysmal peritonitis. Identifiers: Orphanet 342, MedGen C0031069, MONDO:0018088, OMIM 249100. Disease mechanism: gain of function.

Allele frequency attached by ClinVar (database versions not stated): ExAC 0.00001; gnomAD 0.00002 and 0.00001; gnomAD exomes below 0.00001 and 0.00002; TOPMed 0.00001; ESP Exome Variant Server 0.00008.
gnomAD v4.1: 31 of 1,613,886 alleles (0.0019%); highest among the groups gnomAD compares: Non-Finnish European, 0.0025%; no homozygotes.

Submissions (2):

Labcorp Genetics (formerly Invitae), Labcorp
Classification: Likely benign for Familial Mediterranean fever. Last evaluated: 2023-10-24. Review status: criteria provided, single submitter. Criteria: Invitae Variant Classification Sherloc (09022015). Collection method: clinical testing. Allele origin: germline.

GeneDx
Classification: Likely benign. Last evaluated: 2018-04-25. Review status: criteria provided, single submitter. Criteria: GeneDx Variant Classification (06012015). Collection method: clinical testing. Allele origin: germline. Affected: yes.
Comment: This variant is considered likely benign or benign based on one or more of the following criteria: it is a conservative change, it occurs at a poorly conserved position in the protein, it is predicted to be benign by multiple in silico algorithms, and/or has population frequency not consistent with disease.